The following is an entry in ClinVar:

ClinVar aggregate classification (germline): Uncertain significance. Review status: criteria provided, multiple submitters, no conflicts (2 of 4 stars). 2 submissions from 2 submitters: Uncertain significance (2). Last evaluated 2025-09-19.

Conditions:
Cardiovascular phenotype. Identifiers: MedGen CN230736.
Dilated cardiomyopathy 1II (CMD1II). Identifiers: Orphanet 154, MedGen C3554649, MONDO:0014073, OMIM 615184.

gnomAD v4.1: 5 of 1,613,838 alleles (0.00031%); highest among the groups gnomAD compares: Admixed American, 0.0067%; no homozygotes.

Submissions (2):

Labcorp Genetics (formerly Invitae), Labcorp
Classification: Uncertain significance for Dilated cardiomyopathy 1II. Last evaluated: 2025-09-19. Review status: criteria provided, single submitter. Criteria: Invitae Variant Classification Sherloc (09022015). Collection method: clinical testing. Allele origin: germline.
Comment: This sequence change falls in intron 3 of the CRYAB gene. It does not directly change the encoded amino acid sequence of the CRYAB protein. It affects a nucleotide within the consensus splice site. This variant is present in population databases (rs11603779, gnomAD 0.009%). This variant has not been reported in the literature in individuals affected with CRYAB-related conditions. ClinVar contains an entry for this variant (Variation ID: 411954). Variants that disrupt the consensus splice site are a relatively common cause of aberrant splicing (PMID: 17576681, 9536098). Algorithms developed to predict the effect of sequence changes on RNA splicing suggest that this variant is not likely to affect RNA splicing. In summary, the available evidence is currently insufficient to determine the role of this variant in disease. Therefore, it has been classified as a Variant of Uncertain Significance.

Ambry Genetics
Classification: Uncertain significance for Cardiovascular phenotype. Last evaluated: 2023-10-13. Review status: criteria provided, single submitter. Criteria: Ambry Variant Classification Scheme 2023. Collection method: clinical testing. Allele origin: germline.
Comment: The c.324+4T>A intronic variant results from a T to A substitution 4 nucleotides after coding exon 2 in the CRYAB gene. This nucleotide position is not well conserved in available vertebrate species. In silico splice site analysis predicts that this alteration will not have any significant effect on splicing. Since supporting evidence is limited at this time, the clinical significance of this alteration remains unclear.

Literature cited by the submitters: PubMed 17576681 (cited by Labcorp Genetics (formerly Invitae), Labcorp); PubMed 9536098 (cited by Labcorp Genetics (formerly Invitae), Labcorp).

NM_001289808.2(CRYAB):c.324+4T>A

Gene: CRYAB (crystallin alpha B; minus strand). Cytogenetic location: 11q23.1.
Variant type: single nucleotide variant.
Coding change: c.324+4T>A on transcript NM_001289808.2 (MANE Select); 4 bases into the intron after coding-DNA position 324, T replaced by A.
Molecular consequence: intron variant.
Genome position (GRCh38, 1-based): chr11:111,910,323, A>T on the plus strand (T>A on the coding strand, the complement: CRYAB is on the minus strand). VCF-style: chr11-111910323-A-T. GRCh37 (hg19) VCF-style: chr11-111781047-A-T.
Other names: c.324+4T>A (NM_001368245.1, NM_001885.3, NM_001289807.1 and 1 more transcripts); c.123+4T>A (NM_001368246.1, NM_001330379.1).
Identifiers: ClinVar variation 411954 (VCV000411954.13), dbSNP rs11603779, ClinGen allele CA6275522.